The following is an entry in ClinVar:

NM_019032.6(ADAMTSL4):c.1480C>T (p.Arg494Ter)

Genes: ADAMTSL4-AS2 (ADAMTSL4 antisense RNA 2; minus strand), ADAMTSL4 (ADAMTS like 4; plus strand). Cytogenetic location: 1q21.2.
Variant type: single nucleotide variant.
Coding change: c.1480C>T on transcript NM_019032.6 (MANE Select); coding-DNA position 1480, C replaced by T.
Protein change: p.Arg494Ter; replaces arginine 494 with a stop codon.
Molecular consequence: nonsense.
Genome position (GRCh38, 1-based): chr1:150,556,270, C>T. VCF-style: chr1-150556270-C-T. GRCh37 (hg19) VCF-style: chr1-150528746-C-T.
Other names: c.1549C>T, p.Arg517Ter (NM_001288607.2, NM_001288608.2); c.1480C>T, p.Arg494Ter (NM_001378596.1, NM_025008.5); short protein forms R494*, R517*.
Identifiers: ClinVar variation 1323858 (VCV001323858.7), dbSNP rs1471582038, ClinGen allele CA342309737.

ClinVar aggregate classification (germline): Pathogenic/Likely pathogenic. Review status: criteria provided, multiple submitters, no conflicts (2 of 4 stars). 2 submissions from 2 submitters: Pathogenic (1); Likely pathogenic (1). Last evaluated 2025-08-04.

Allele frequency attached by ClinVar (database versions not stated): gnomAD exomes 0.00001.
gnomAD v4.1: 6 of 1,614,100 alleles (0.00037%); highest among the groups gnomAD compares: Admixed American, 0.0033%; no homozygotes.

Submissions (2):

Labcorp Genetics (formerly Invitae), Labcorp
Classification: Pathogenic. Last evaluated: 2025-08-04. Review status: criteria provided, single submitter. Criteria: Invitae Variant Classification Sherloc (09022015). Collection method: clinical testing. Allele origin: germline.
Comment: This sequence change creates a premature translational stop signal (p.Arg494*) in the ADAMTSL4 gene. It is expected to result in an absent or disrupted protein product. Loss-of-function variants in ADAMTSL4 are known to be pathogenic (PMID: 20564469, 28642162). This variant is present in population databases (no rsID available, gnomAD 0.006%). This variant has not been reported in the literature in individuals affected with ADAMTSL4-related conditions. ClinVar contains an entry for this variant (Variation ID: 1323858). For these reasons, this variant has been classified as Pathogenic.

Revvity Omics, Revvity
Classification: Likely pathogenic. Last evaluated: 2021-09-09. Review status: criteria provided, single submitter. Criteria: ACMG Guidelines, 2015. Collection method: clinical testing. Allele origin: germline.

Literature cited by the submitters: PubMed 20564469 (cited by Labcorp Genetics (formerly Invitae), Labcorp); PubMed 28642162 (cited by Labcorp Genetics (formerly Invitae), Labcorp).